The following is an entry in ClinVar:

NM_017534.6(MYH2):c.256G>A (p.Asp86Asn)

Genes: MYH2 (myosin heavy chain 2; minus strand), MYHAS (myosin heavy chain gene cluster antisense RNA; plus strand). Cytogenetic location: 17p13.1.
Variant type: single nucleotide variant.
Coding change: c.256G>A on transcript NM_017534.6 (MANE Select); coding-DNA position 256, G replaced by A.
Protein change: p.Asp86Asn; replaces aspartic acid 86 with asparagine.
Molecular consequence: missense variant.
Genome position (GRCh38, 1-based): chr17:10,547,567, C>T on the plus strand (G>A on the coding strand, the complement: MYH2 is on the minus strand). VCF-style: chr17-10547567-C-T. GRCh37 (hg19) VCF-style: chr17-10450884-C-T.
Other names: c.256G>A, p.Asp86Asn (NM_001100112.2); short protein forms D86N.
Identifiers: ClinVar variation 575894 (VCV000575894.7), dbSNP rs1567738501, ClinGen allele CA398173415.
Genomic context (GRCh38, chr17:10,547,567, plus strand): 5'-GGTTGTACAGCACAGCAGGCTCATGCAGATGAGTCATCATGGCCATATCCTCGATCTTGT[C>T]ATATTTGGGAGGGTTCATGGGGAAGACCTGATCATCCTTCACTGTCAGAGTCTGGTAAAC-3'
Protein context (NP_060004.3, residues 76-96): QVFPMNPPKY[Asp86Asn]KIEDMAMMTH

ClinVar aggregate classification (germline): Uncertain significance (1 of 4 stars; one submission).

Conditions:
Myopathy, proximal, and ophthalmoplegia (CMYO6). Also called: INCLUSION BODY MYOPATHY 3, AUTOSOMAL DOMINANT; MYOPATHY WITH CONGENITAL JOINT CONTRACTURES, OPHTHALMOPLEGIA, AND RIMMED VACUOLES; CONGENITAL MYOPATHY 6 WITH OPHTHALMOPLEGIA. Identifiers: Orphanet 363677, Orphanet 79091, MedGen C1854106, MONDO:0011577, OMIM 605637.

Submission:

Labcorp Genetics (formerly Invitae), Labcorp
Classification: Uncertain significance for Myopathy, proximal, and ophthalmoplegia. Last evaluated: 2018-08-07. Review status: criteria provided, single submitter. Criteria: Invitae Variant Classification Sherloc (09022015). Collection method: clinical testing. Allele origin: germline.
Comment: In summary, the available evidence is currently insufficient to determine the role of this variant in disease. Therefore, it has been classified as a Variant of Uncertain Significance. Algorithms developed to predict the effect of missense changes on protein structure and function do not agree on the potential impact of this missense change (SIFT: "Deleterious"; PolyPhen-2: "Possibly Damaging"; Align-GVGD: "Class C15"). This variant has not been reported in the literature in individuals with MYH2-related disease. This variant is not present in population databases (ExAC no frequency). This sequence change replaces aspartic acid with asparagine at codon 86 of the MYH2 protein (p.Asp86Asn). The aspartic acid residue is highly conserved and there is a small physicochemical difference between aspartic acid and asparagine.